The following is an entry in ClinVar:

ClinVar aggregate classification (germline): Likely benign (1 of 4 stars; one submission).

Conditions:
Catecholaminergic polymorphic ventricular tachycardia (CVPT). Also called: Catecholamine-induced polymorphic ventricular tachycardia. Identifiers: Orphanet 3286, MedGen C5574922, MONDO:0017990.

Submission:

All of Us Research Program, National Institutes of Health
Classification: Likely benign for Catecholaminergic polymorphic ventricular tachycardia. Last evaluated: 2024-04-16. Review status: criteria provided, single submitter. Criteria: ACMG Guidelines, 2015. Collection method: clinical testing. Allele origin: germline. Inheritance: Autosomal dominant inheritance. Observed: 1 variant allele, 1 heterozygote.
Comment: This study involves interpretation of variants in research participants for the purpose of population health screening. Participant phenotype was not available at the time of variant classification. Additional details can be found in publication PMID: 35346344, PMCID: PMC8962531

NM_001035.3(RYR2):c.14745G>A (p.Leu4915=)

Gene: RYR2 (ryanodine receptor 2; plus strand). Cytogenetic location: 1q43.
Variant type: single nucleotide variant.
Coding change: c.14745G>A on transcript NM_001035.3 (MANE Select); coding-DNA position 14745, G replaced by A.
Protein change: p.Leu4915=; no amino-acid change (leucine 4915 retained).
Molecular consequence: synonymous variant.
Genome position (GRCh38, 1-based): chr1:237,830,619, G>A. VCF-style: chr1-237830619-G-A. GRCh37 (hg19) VCF-style: chr1-237993919-G-A.
Identifiers: ClinVar variation 3385887 (VCV003385887.1).